The following is an entry in ClinVar:

NM_004329.3(BMPR1A):c.174T>G (p.Phe58Leu)

Gene: BMPR1A (bone morphogenetic protein receptor type 1A; plus strand). Cytogenetic location: 10q23.2.
Variant type: single nucleotide variant.
Coding change: c.174T>G on transcript NM_004329.3 (MANE Select); coding-DNA position 174, T replaced by G.
Protein change: p.Phe58Leu; replaces phenylalanine 58 with leucine.
Molecular consequence: missense variant. On other transcripts: non-coding transcript variant (3).
Genome position (GRCh38, 1-based): chr10:86,890,168, T>G. VCF-style: chr10-86890168-T-G. GRCh37 (hg19) VCF-style: chr10-88649925-T-G.
Other names: c.174T>G, p.Phe58Leu (NM_001406559.1, NM_001406560.1, NM_001406561.1 and 23 more transcripts); c.90T>G, p.Phe30Leu (NM_001406584.1, NM_001406585.1, NM_001406586.1 and 2 more transcripts); short protein forms F30L, F58L.
Identifiers: ClinVar variation 4214373 (VCV004214373.1).

ClinVar aggregate classification (germline): Uncertain significance (1 of 4 stars; one submission).

Conditions:
Hereditary cancer-predisposing syndrome. Also called: Neoplastic Syndromes, Hereditary; Tumor predisposition; Hereditary Cancer Syndrome; Hereditary neoplastic syndrome. Identifiers: Orphanet 140162, MedGen C0027672, MeSH D009386, MONDO:0015356.

Submission:

Ambry Genetics
Classification: Uncertain significance for Hereditary cancer-predisposing syndrome. Last evaluated: 2025-07-24. Review status: criteria provided, single submitter. Criteria: Ambry Variant Classification Scheme 2023. Collection method: clinical testing. Allele origin: germline.
Comment: The p.F58L variant (also known as c.174T>G), located in coding exon 2 of the BMPR1A gene, results from a T to G substitution at nucleotide position 174. The phenylalanine at codon 58 is replaced by leucine, an amino acid with highly similar properties. This amino acid position is conserved. In addition, the in silico prediction for this alteration is inconclusive. Based on the available evidence, the clinical significance of this variant remains unclear.